The following is an entry in ClinVar:

ClinVar aggregate classification (germline): Conflicting classifications of pathogenicity. Review status: criteria provided, conflicting classifications (1 of 4 stars). 4 submissions from 4 submitters: Uncertain significance (3); Likely benign (1). Last evaluated 2023-03-23.

Conditions:
Hereditary cancer-predisposing syndrome. Also called: Hereditary neoplastic syndrome; Tumor predisposition; Neoplastic Syndromes, Hereditary; Hereditary Cancer Syndrome. Identifiers: Orphanet 140162, MedGen C0027672, MeSH D009386, MONDO:0015356.
Hereditary breast ovarian cancer syndrome. Also called: Hereditary breast and ovarian cancer; Hereditary breast and/or ovarian cancer syndrome; Hereditary breast and ovarian cancer syndrome; Hereditary breast and ovarian cancer syndrome (HBOC); Breast and ovarian cancer; BRCA1- and BRCA2-Associated Hereditary Breast and Ovarian Cancer. Identifiers: Orphanet 145, MedGen C0677776, MeSH D061325, MONDO:0003582. Disease mechanism: loss of function.

Submissions (4):

University of Washington Department of Laboratory Medicine, University of Washington
Classification: Likely benign for Hereditary cancer-predisposing syndrome. Last evaluated: 2023-03-23. Review status: criteria provided, single submitter. Criteria: Dines et al. (Genet Med. 2020). Collection method: curation. Allele origin: germline.
Comment: Missense variant in a coldspot region where missense variants are very unlikely to be pathogenic (PMID:31911673).

BRCA1 coldspot (exon 11 using historical exon numbering). Reclassification based on statistical prior probability

Ambry Genetics
Classification: Uncertain significance for Hereditary cancer-predisposing syndrome. Last evaluated: 2020-02-21. Review status: criteria provided, single submitter. Criteria: Ambry Variant Classification Scheme 2023. Collection method: clinical testing. Allele origin: germline.
Comment: The p.N287K variant (also known as c.861C>G), located in coding exon 9 of the BRCA1 gene, results from a C to G substitution at nucleotide position 861. The asparagine at codon 287 is replaced by lysine, an amino acid with similar properties. This amino acid position is not well conserved in available vertebrate species. In addition, the in silico prediction for this alteration is inconclusive. Since supporting evidence is limited at this time, the clinical significance of this alteration remains unclear.

Labcorp Genetics (formerly Invitae), Labcorp
Classification: Uncertain significance for Hereditary breast ovarian cancer syndrome. Last evaluated: 2020-02-01. Review status: criteria provided, single submitter. Criteria: Invitae Variant Classification Sherloc (09022015). Collection method: clinical testing. Allele origin: germline.
Comment: In summary, the available evidence is currently insufficient to determine the role of this variant in disease. Therefore, it has been classified as a Variant of Uncertain Significance. Algorithms developed to predict the effect of missense changes on protein structure and function are either unavailable or do not agree on the potential impact of this missense change (SIFT: "Tolerated"; PolyPhen-2: "Possibly Damaging"; Align-GVGD: "Class C0"). This variant has not been reported in the literature in individuals with BRCA1-related conditions. ClinVar contains an entry for this variant (Variation ID: 420773). This variant is not present in population databases (ExAC no frequency). This sequence change replaces asparagine with lysine at codon 287 of the BRCA1 protein (p.Asn287Lys). The asparagine residue is moderately conserved and there is a moderate physicochemical difference between asparagine and lysine.

GeneDx
Classification: Uncertain significance. Last evaluated: 2016-03-22. Review status: criteria provided, single submitter. Criteria: GeneDx Variant Classification (06012015). Collection method: clinical testing. Allele origin: germline. Affected: yes.
Comment: This variant is denoted BRCA1 c.861C>G at the cDNA level, p.Asn287Lys (N287K) at the protein level, and results in the change of an Asparagine to a Lysine (AAC>AAG). Using alternate nomenclature, this variant would be defined as BRCA1 c.980C>G. This variant has not, to our knowledge, been published in the literature as pathogenic or benign. BRCA1 Asn287Lys was not observed in approximately 6,500 individuals of European and African American ancestry in the NHLBI Exome Sequencing Project, suggesting it is not a common benign variant in these populations. Since Asparagine and Lysine differ in some properties, this is considered a semi-conservative amino acid substitution. BRCA1 Asn287Lys occurs at a position that is not conserved and is located in a region known to interact with multiple proteins (Paul 2014). In silico analyses predict that this variant is probably damaging to protein structure and function. Based on currently available evidence, it is unclear whether BRCA1 Asn287Lys is a pathogenic or benign variant. We consider it to be a variant of uncertain significance.

NM_007294.4(BRCA1):c.861C>G (p.Asn287Lys)

Gene: BRCA1 (BRCA1 DNA repair associated; minus strand). Cytogenetic location: 17q21.31.
Variant type: single nucleotide variant.
Coding change: c.861C>G on transcript NM_007294.4 (MANE Select); coding-DNA position 861, C replaced by G.
Protein change: p.Asn287Lys; replaces asparagine 287 with lysine.
Molecular consequence: missense variant. On other transcripts: 5 prime UTR variant (2), intron variant (137).
Genome position (GRCh38, 1-based): chr17:43,094,670, G>C on the plus strand (C>G on the coding strand, the complement: BRCA1 is on the minus strand). VCF-style: chr17-43094670-G-C. GRCh37 (hg19) VCF-style: chr17-41246687-G-C.
Other names: c.738C>G, p.Asn246Lys (NM_001407669.1, NM_001407674.1, NM_001407675.1 and 19 more transcripts); c.735C>G, p.Asn245Lys (NM_001407670.1, NM_001407671.1, NM_001407672.1 and 11 more transcripts); c.861C>G, p.Asn287Lys (NM_001407684.1, NM_001407854.1, NM_001407858.1 and 30 more transcripts); c.720C>G, p.Asn240Lys (NM_001407692.1, NM_001407694.1, NM_001407695.1 and 29 more transcripts); c.717C>G, p.Asn239Lys (NM_001407740.1, NM_001407741.1, NM_001407742.1 and 20 more transcripts); c.648C>G, p.Asn216Lys (NM_001407853.1, NM_001407894.1, NM_001407895.1 and 9 more transcripts); c.858C>G, p.Asn286Lys (NM_001407860.1, NM_001407861.1, NM_001407587.1 and 22 more transcripts); c.660C>G, p.Asn220Lys (NM_001407862.1); and 40 more; short protein forms N287K, N240K, N159K, N160K, N176K, N216K, N246K, N175K.
Identifiers: ClinVar variation 420773 (VCV000420773.24), dbSNP rs1064794692, ClinGen allele CA10600357.